The following is an entry in ClinVar:

ClinVar aggregate classification (germline): Uncertain significance (1 of 4 stars; one submission).

Submission:

GeneDx
Classification: Uncertain significance. Last evaluated: 2025-05-20. Review status: criteria provided, single submitter. Criteria: GeneDx Variant Classification Process June 2021. Collection method: clinical testing. Allele origin: germline. Affected: yes.
Comment: Not observed at significant frequency in large population cohorts (gnomAD); In silico analysis suggests that this missense variant does not alter protein structure/function; Has not been previously published as pathogenic or benign to our knowledge

NM_032861.4(SERAC1):c.877G>A (p.Glu293Lys)

Gene: SERAC1 (serine active site containing 1; minus strand). Cytogenetic location: 6q25.3.
Variant type: single nucleotide variant.
Coding change: c.877G>A on transcript NM_032861.4 (MANE Select); coding-DNA position 877, G replaced by A.
Protein change: p.Glu293Lys; replaces glutamic acid 293 with lysine.
Molecular consequence: missense variant. On other transcripts: non-coding transcript variant (1).
Genome position (GRCh38, 1-based): chr6:158,128,246, C>T on the plus strand (G>A on the coding strand, the complement: SERAC1 is on the minus strand). VCF-style: chr6-158128246-C-T. GRCh37 (hg19) VCF-style: chr6-158549278-C-T.
Other names: short protein forms E293K.
Identifiers: ClinVar variation 4530985 (VCV004530985.1).
Genomic context (GRCh38, chr6:158,128,246, plus strand): 5'-TAGGGCAGTCCTTGTGAAGTCGGTACAGCCTCTGAAGTAGCTGCAGGCCTCCATTTGCTT[C>T]GATTTTATCACAATGTGTGGATATCTGGCACAATAAATAAACAGAAGCTCCCTTGACATT-3'
Protein context (NP_116250.3, residues 283-303): SEISTHCDKI[Glu293Lys]ANGGLQLLQR